The following is an entry in ClinVar:

NM_016008.4(DYNC2LI1):c.638A>G (p.Tyr213Cys)

Gene: DYNC2LI1 (dynein cytoplasmic 2 light intermediate chain 1; plus strand). Cytogenetic location: 2p21.
Variant type: single nucleotide variant.
Coding change: c.638A>G on transcript NM_016008.4 (MANE Select); coding-DNA position 638, A replaced by G.
Protein change: p.Tyr213Cys; replaces tyrosine 213 with cysteine.
Molecular consequence: missense variant.
Genome position (GRCh38, 1-based): chr2:43,796,779, A>G. VCF-style: chr2-43796779-A-G. GRCh37 (hg19) VCF-style: chr2-44023918-A-G.
Other names: c.641A>G, p.Tyr214Cys (NM_001193464.2, NM_001348913.2); c.638A>G, p.Tyr213Cys (NM_001348912.2); short protein forms Y213C, Y214C.
Identifiers: ClinVar variation 2399279 (VCV002399279.3), dbSNP rs756884934, ClinGen allele CA1635943.

ClinVar aggregate classification (germline): Uncertain significance. Review status: criteria provided, multiple submitters, no conflicts (2 of 4 stars). 2 submissions from 2 submitters: Uncertain significance (2). Last evaluated 2026-01-11.

Conditions:
Inborn genetic diseases. Identifiers: MedGen C0950123, MeSH D030342.

Allele frequency attached by ClinVar (database versions not stated): ExAC 0.00001; gnomAD 0.00001; gnomAD exomes 0.00002; TOPMed 0.00005.
gnomAD v4.1: 28 of 1,613,530 alleles (0.0017%); highest among the groups gnomAD compares: Admixed American, 0.0033%; no homozygotes.

Submissions (2):

Labcorp Genetics (formerly Invitae), Labcorp
Classification: Uncertain significance. Last evaluated: 2026-01-11. Review status: criteria provided, single submitter. Criteria: Invitae Variant Classification Sherloc (09022015). Collection method: clinical testing. Allele origin: germline.
Comment: This sequence change replaces tyrosine, which is neutral and polar, with cysteine, which is neutral and slightly polar, at codon 213 of the DYNC2LI1 protein (p.Tyr213Cys). This variant is present in population databases (rs756884934, gnomAD 0.003%). This variant has not been reported in the literature in individuals affected with DYNC2LI1-related conditions. ClinVar contains an entry for this variant (Variation ID: 2399279). An algorithm developed to predict the effect of missense changes on protein structure and function (PolyPhen-2) suggests that this variant is likely to be disruptive. In summary, the available evidence is currently insufficient to determine the role of this variant in disease. Therefore, it has been classified as a Variant of Uncertain Significance.

Ambry Genetics
Classification: Uncertain significance for Inborn genetic diseases. Last evaluated: 2021-09-14. Review status: criteria provided, single submitter. Criteria: Ambry Variant Classification Scheme 2023. Collection method: clinical testing. Allele origin: germline.